The following is an entry in ClinVar:

ClinVar aggregate classification (germline): Uncertain significance. Review status: criteria provided, multiple submitters, no conflicts (2 of 4 stars). 3 submissions from 3 submitters: Uncertain significance (3). Last evaluated 2025-06-18.

Conditions:
Familial thoracic aortic aneurysm and aortic dissection (TAAD). Also called: Thoracic aortic aneurysms and dissections. Identifiers: Orphanet 91387, MedGen C4707243, MONDO:0019625.

Allele frequency attached by ClinVar (database versions not stated): gnomAD 0.00002 and below 0.00001; TOPMed 0.00001; ExAC 0.00002.
gnomAD v4.1: 24 of 1,614,096 alleles (0.0015%); highest among the groups gnomAD compares: South Asian, 0.024%; no homozygotes.

Submissions (3):

Ambry Genetics
Classification: Uncertain significance for Familial thoracic aortic aneurysm and aortic dissection. Last evaluated: 2025-06-18. Review status: criteria provided, single submitter. Criteria: Ambry Variant Classification Scheme 2023. Collection method: clinical testing. Allele origin: germline.

All of Us Research Program, National Institutes of Health
Classification: Uncertain significance for Familial thoracic aortic aneurysm and aortic dissection. Last evaluated: 2024-07-29. Review status: criteria provided, single submitter. Criteria: ACMG Guidelines, 2015. Collection method: clinical testing. Allele origin: germline. Inheritance: Autosomal dominant inheritance. Observed: 3 variant alleles, 3 heterozygotes.
Comment: This missense variant replaces methionine with isoleucine at codon 1811 of the MYH11 protein. Computational prediction suggests that this variant may not impact protein structure and function (internally defined REVEL score threshold <= 0.5, PMID: 27666373). Splice site prediction tools suggest that this variant may not impact RNA splicing. To our knowledge, functional studies have not been performed for this variant. This variant has not been reported in individuals affected with cardiovascular disorders in the literature. This variant has been identified in 4/251346 chromosomes in the general population by the Genome Aggregation Database (gnomAD). The available evidence is insufficient to determine the role of this variant in disease conclusively. Therefore, this variant is classified as a Variant of Uncertain Significance.

This study involves interpretation of variants in research participants for the purpose of population health screening. Participant phenotype was not available at the time of variant classification. Additional details can be found in publication PMID: 35346344, PMCID: PMC8962531

Color Diagnostics, LLC DBA Color Health
Classification: Uncertain significance for Familial thoracic aortic aneurysm and aortic dissection. Last evaluated: 2024-05-19. Review status: criteria provided, single submitter. Criteria: ACMG Guidelines, 2015. Collection method: clinical testing. Allele origin: germline.
Comment: This missense variant replaces methionine with isoleucine at codon 1811 of the MYH11 protein. Computational prediction tools indicate that this variant has a neutral impact on protein structure and function. To our knowledge, functional studies have not been reported for this variant. This variant has been reported in one individual suspected to be affected with non-ischemic cardiomyopathy (PMID: 38254962). This variant has been identified in 4/251346 chromosomes in the general population by the Genome Aggregation Database (gnomAD). The available evidence is insufficient to determine the role of this variant in disease conclusively. Therefore, this variant is classified as a Variant of Uncertain Significance.

Literature cited by the submitters: PubMed 38254962 (cited by Color Diagnostics, LLC DBA Color Health).

NM_002474.3(MYH11):c.5412G>A (p.Met1804Ile)

Genes: NDE1 (nudE neurodevelopment protein 1; plus strand), MYH11 (myosin heavy chain 11; minus strand). Cytogenetic location: 16p13.11.
Variant type: single nucleotide variant.
Coding change: c.5412G>A on transcript NM_002474.3 (MANE Select); coding-DNA position 5412, G replaced by A.
Protein change: p.Met1804Ile; replaces methionine 1804 with isoleucine.
Molecular consequence: missense variant. On other transcripts: intron variant (2).
Genome position (GRCh38, 1-based): chr16:15,717,232, C>T on the plus strand (G>A on the coding strand, the complement: MYH11 is on the minus strand). VCF-style: chr16-15717232-C-T. GRCh37 (hg19) VCF-style: chr16-15811089-C-T.
Other names: c.5433G>A, p.Met1811Ile (NM_001040113.2, NM_001040114.2); c.5412G>A, p.Met1804Ile (NM_022844.3); c.948-6959C>T (NM_001143979.2, NM_017668.3); short protein forms M1804I, M1811I.
Identifiers: ClinVar variation 924876 (VCV000924876.11), dbSNP rs748806263, ClinGen allele CA7921279.
Genomic context (GRCh38, chr16:15,717,232, plus strand): 5'-TGCAATCTTGGCCTCCAGCGCCGCGATGGTGGACTTGAACTTGGACTTGACGGCCCCCTC[C>T]ATCTCGTGGAGCTTGCTCCGGAGCTCCTTGTTCTGCCGCTCGAGCTGCTGCCGGGCACTC-3'
Protein context (NP_002465.1, residues 1794-1814): NKELRSKLHE[Met1804Ile]EGAVKSKFKS